The following is an entry in ClinVar:

ClinVar aggregate classification (germline): Uncertain significance (1 of 4 stars; one submission).

Conditions:
Neurofibromatosis, type 1 (NF1). Also called: NEUROFIBROMATOSIS, TYPE I, SOMATIC; Neurofibromatosis, type I; VON RECKLINGHAUSEN DISEASE; Peripheral type neurofibromatosis. Identifiers: Orphanet 636, MedGen C0027831, MONDO:0018975, OMIM 162200. Disease mechanism: loss of function.

Submission:

Labcorp Genetics (formerly Invitae), Labcorp
Classification: Uncertain significance for Neurofibromatosis, type 1. Last evaluated: 2020-07-20. Review status: criteria provided, single submitter. Criteria: Invitae Variant Classification Sherloc (09022015). Collection method: clinical testing. Allele origin: germline.
Comment: Advanced modeling of protein sequence and biophysical properties (such as structural, functional, and spatial information, amino acid conservation, physicochemical variation, residue mobility, and thermodynamic stability) performed at Invitae indicates that this missense variant is not expected to disrupt NF1 protein function. This sequence change replaces alanine with valine at codon 422 of the NF1 protein (p.Ala422Val). The alanine residue is moderately conserved and there is a small physicochemical difference between alanine and valine. This variant is not present in population databases (ExAC no frequency). This variant has not been reported in the literature in individuals with NF1-related conditions. In summary, the available evidence is currently insufficient to determine the role of this variant in disease. Therefore, it has been classified as a Variant of Uncertain Significance.

NM_001042492.3(NF1):c.1265C>T (p.Ala422Val)

Gene: NF1 (neurofibromin 1; plus strand). Cytogenetic location: 17q11.2.
Variant type: single nucleotide variant.
Coding change: c.1265C>T on transcript NM_001042492.3 (MANE Select); coding-DNA position 1265, C replaced by T.
Protein change: p.Ala422Val; replaces alanine 422 with valine.
Molecular consequence: missense variant.
Genome position (GRCh38, 1-based): chr17:31,206,244, C>T. VCF-style: chr17-31206244-C-T. GRCh37 (hg19) VCF-style: chr17-29533262-C-T.
Other names: c.1265C>T, p.Ala422Val (NM_000267.4, NM_001128147.3); short protein forms A422V.
Identifiers: ClinVar variation 1057017 (VCV001057017.5), dbSNP rs2143913535, ClinGen allele CA398999071.